The following is an entry in ClinVar:

NM_006030.4(CACNA2D2):c.107_177del (p.Pro36fs)

Gene: CACNA2D2 (calcium voltage-gated channel auxiliary subunit alpha2delta 2; minus strand). Cytogenetic location: 3p21.31.
Variant type: Deletion.
Coding change: c.107_177del on transcript NM_006030.4 (MANE Select); coding-DNA positions 107 to 177, 71 bases deleted.
Protein change: p.Pro36fs; shifts the reading frame from proline 36.
Molecular consequence: frameshift variant. On other transcripts: intron variant (1).
Genome position (GRCh38, 1-based): chr3:50,503,247-50,503,317, 71 bases deleted. GRCh37 (hg19): chr3:50,540,687-50,540,757.
Other names: c.107_177del, p.Pro36fs (NM_001005505.3, NM_001174051.3); c.98_168del71, p.Pro36Leufs (NM_001410768.1); c.-2+752_-2+822del (NM_001291101.1); short protein forms P36fs.
Identifiers: ClinVar variation 2112011 (VCV002112011.4), dbSNP rs2471323496, ClinGen allele CA2541154316.

ClinVar aggregate classification (germline): Pathogenic (1 of 4 stars; one submission).

Conditions:
Early-infantile DEE. Also called: Early infantile epileptic encephalopathy; Early infantile epileptic encephalopathy with suppression bursts; Ohtahara syndrome. Identifiers: Orphanet 1934, MedGen C0393706, MONDO:0800491.

Submission:

Labcorp Genetics (formerly Invitae), Labcorp
Classification: Pathogenic for Early-infantile DEE. Last evaluated: 2022-03-14. Review status: criteria provided, single submitter. Criteria: Invitae Variant Classification Sherloc (09022015). Collection method: clinical testing. Allele origin: germline.
Comment: This sequence change creates a premature translational stop signal (p.Pro36Leufs*37) in the CACNA2D2 gene. It is expected to result in an absent or disrupted protein product. Loss-of-function variants in CACNA2D2 are known to be pathogenic (PMID: 24358150). This variant is not present in population databases (gnomAD no frequency). This variant has not been reported in the literature in individuals affected with CACNA2D2-related conditions. For these reasons, this variant has been classified as Pathogenic.

Literature cited by the submitters: PubMed 24358150.